The following is an entry in ClinVar:

ClinVar aggregate classification (germline): Pathogenic (1 of 4 stars; one submission).

Conditions:
Spastic paraplegia. Identifiers: MedGen C0037772, HP:0001258.

Submission:

Labcorp Genetics (formerly Invitae), Labcorp
Classification: Pathogenic for Spastic paraplegia. Last evaluated: 2021-03-08. Review status: criteria provided, single submitter. Criteria: Invitae Variant Classification Sherloc (09022015). Collection method: clinical testing. Allele origin: germline.
Comment: For these reasons, this variant has been classified as Pathogenic. Algorithms developed to predict the effect of sequence changes on RNA splicing suggest that this variant may create or strengthen a splice site, but this prediction has not been confirmed by published transcriptional studies. This variant has not been reported in the literature in individuals with ZFYVE26-related conditions. This variant is not present in population databases (ExAC no frequency). This sequence change creates a premature translational stop signal (p.Val1900*) in the ZFYVE26 gene. It is expected to result in an absent or disrupted protein product. Loss-of-function variants in ZFYVE26 are known to be pathogenic (PMID: 18394578, 19805727).

Literature cited by the submitters: PubMed 18394578; PubMed 19805727.

NM_015346.4(ZFYVE26):c.5698del (p.Val1899_Val1900insTer)

Gene: ZFYVE26 (zinc finger FYVE-type containing 26; minus strand). Cytogenetic location: 14q24.1.
Variant type: Deletion.
Coding change: c.5698del on transcript NM_015346.4 (MANE Select); coding-DNA position 5698, one base deleted (G; older notation c.5698delG).
Protein change: p.Val1899_Val1900insTer.
Molecular consequence: nonsense.
Genome position (GRCh38, 1-based): chr14:67,767,796, C deleted on the plus strand (G on the coding strand, the reverse complement: ZFYVE26 is on the minus strand); the first of 2 consecutive C bases (chr14:67,767,796-67,767,797); deleting either gives the same sequence. VCF-style (leftmost placement, unchanged base first): chr14-67767795-AC-A. GRCh37 (hg19) VCF-style: chr14-68234512-AC-A.
Identifiers: ClinVar variation 1454041 (VCV001454041.6), dbSNP rs2140201355, ClinGen allele CA2573150112.
Genomic context (GRCh38, chr14:67,767,795, plus strand): 5'-TCATTTTCCTCCTCTTTGAGATCCAAAATCCATTCCACCTCATCTGCTTTGGGGACTCTC[AC>A]CACAAACGAGTATGGAGGGCTTTCATTCTTGGAGCTGTCTAGAGCTGAGAAGAGAAATGC-3'